The following is an entry in ClinVar:

ClinVar aggregate classification (germline): Uncertain significance. Review status: criteria provided, multiple submitters, no conflicts (2 of 4 stars). 2 submissions from 2 submitters: Uncertain significance (2). Last evaluated 2024-01-03.

Conditions:
Inborn genetic diseases. Identifiers: MedGen C0950123, MeSH D030342.
Supravalvar aortic stenosis (SVAS). Also called: Supravalvar aortic stenosis, Eisenberg type. Identifiers: Orphanet 3193, MedGen C0003499, MONDO:0008504, OMIM 185500, HP:0004381.

Allele frequency attached by ClinVar (database versions not stated): gnomAD exomes below 0.00001.
gnomAD v4.1: 1 of 1,594,432 alleles (0.000063%); highest among the groups gnomAD compares: Middle Eastern, 0.017%; no homozygotes.

Submissions (2):

Ambry Genetics
Classification: Uncertain significance for Inborn genetic diseases. Last evaluated: 2024-01-03. Review status: criteria provided, single submitter. Criteria: Ambry Variant Classification Scheme 2023. Collection method: clinical testing. Allele origin: germline.

Labcorp Genetics (formerly Invitae), Labcorp
Classification: Uncertain significance for Supravalvar aortic stenosis. Last evaluated: 2022-10-13. Review status: criteria provided, single submitter. Criteria: Invitae Variant Classification Sherloc (09022015). Collection method: clinical testing. Allele origin: germline.
Comment: In summary, the available evidence is currently insufficient to determine the role of this variant in disease. Therefore, it has been classified as a Variant of Uncertain Significance. Advanced modeling of protein sequence and biophysical properties (such as structural, functional, and spatial information, amino acid conservation, physicochemical variation, residue mobility, and thermodynamic stability) performed at Invitae indicates that this missense variant is not expected to disrupt ELN protein function. This variant has not been reported in the literature in individuals affected with ELN-related conditions. This variant is not present in population databases (gnomAD no frequency). This sequence change replaces proline, which is neutral and non-polar, with threonine, which is neutral and polar, at codon 516 of the ELN protein (p.Pro516Thr).

NM_000501.4(ELN):c.1459C>A (p.Pro487Thr)

Genes: ELN (elastin; plus strand), ELN-AS1 (ELN antisense RNA 1; minus strand). Cytogenetic location: 7q11.23.
Variant type: single nucleotide variant.
Coding change: c.1459C>A on transcript NM_000501.4 (MANE Select); coding-DNA position 1459, C replaced by A.
Protein change: p.Pro487Thr; replaces proline 487 with threonine.
Molecular consequence: missense variant.
Genome position (GRCh38, 1-based): chr7:74,059,930, C>A. VCF-style: chr7-74059930-C-A. GRCh37 (hg19) VCF-style: chr7-73474260-C-A.
Other names: c.1459C>A (NM_000501.2); c.1372C>A, p.Pro458Thr (NM_001081752.3); c.1417C>A, p.Pro473Thr (NM_001081753.3); c.1474C>A, p.Pro492Thr (NM_001081754.3); c.1402C>A, p.Pro468Thr (NM_001081755.3); c.1459C>A, p.Pro487Thr (NM_001278912.2); c.1216C>A, p.Pro406Thr (NM_001278913.2); c.1387C>A, p.Pro463Thr (NM_001278914.2); and 5 more; short protein forms P492T, P463T, P468T, P493T, P458T, P473T, P516T, P398T.
Identifiers: ClinVar variation 1964658 (VCV001964658.6), dbSNP rs1796230403, ClinGen allele CA367884846.
Genomic context (GRCh38, chr7:74,059,930, plus strand): 5'-CTTCTCAATCTTGCAGGGTTAGTTCCTGGTGTCGGCGTGGCTCCTGGAGTTGGCGTGGCT[C>A]CTGGTGTCGGTGTGGCTCCTGGAGTTGGCTTGGCTCCTGGAGTTGGCGTGGCTCCTGGAG-3'
Protein context (NP_000492.2, residues 477-497): VGVAPGVGVA[Pro487Thr]GVGVAPGVGL